The following is an entry in ClinVar:

ClinVar aggregate classification (germline): Uncertain significance. Review status: criteria provided, multiple submitters, no conflicts (2 of 4 stars). 3 submissions from 3 submitters: Uncertain significance (3). Last evaluated 2025-07-28.

Conditions:
Episodic ataxia type 2 (EA2). Also called: ATAXIA, EPISODIC, WITH NYSTAGMUS; ATAXIA, FAMILIAL PAROXYSMAL; CEREBELLAR ATAXIA, PAROXYSMAL, ACETAZOLAMIDE-RESPONSIVE; CEREBELLOPATHY, HEREDITARY PAROXYSMAL; EPISODIC ATAXIA, NYSTAGMUS-ASSOCIATED; ACETAZOLAMIDE-RESPONSIVE HEREDITARY PAROXYSMAL CEREBELLAR ATAXIA. Identifiers: Orphanet 97, MedGen C1720416, MONDO:0007163, OMIM 108500.
Developmental and epileptic encephalopathy, 42 (DEE42A). Also called: DEVELOPMENTAL AND EPILEPTIC ENCEPHALOPATHY 42A; EPILEPTIC ENCEPHALOPATHY, EARLY INFANTILE, 42A; Epileptic encephalopathy, early infantile, 42. Identifiers: MedGen C4310716, MONDO:0014917, OMIM 617106.
Inborn genetic diseases. Identifiers: MedGen C0950123, MeSH D030342.

Allele frequency attached by ClinVar (database versions not stated): gnomAD exomes below 0.00001; TOPMed below 0.00001; gnomAD 0.00001.
gnomAD v4.1: 6 of 1,607,578 alleles (0.00037%); highest among the groups gnomAD compares: South Asian, 0.0056%; no homozygotes.

Submissions (3):

Labcorp Genetics (formerly Invitae), Labcorp
Classification: Uncertain significance for Developmental and epileptic encephalopathy, 42; Episodic ataxia type 2. Last evaluated: 2025-07-28. Review status: criteria provided, single submitter. Criteria: Invitae Variant Classification Sherloc (09022015). Collection method: clinical testing. Allele origin: germline.
Comment: This sequence change replaces methionine, which is neutral and non-polar, with threonine, which is neutral and polar, at codon 2039 of the CACNA1A protein (p.Met2039Thr). This variant is not present in population databases (gnomAD no frequency). This variant has not been reported in the literature in individuals affected with CACNA1A-related conditions. ClinVar contains an entry for this variant (Variation ID: 2585287). Invitae Evidence Modeling of protein sequence and biophysical properties (such as structural, functional, and spatial information, amino acid conservation, physicochemical variation, residue mobility, and thermodynamic stability) has been performed for this missense variant. However, the output from this modeling did not meet the statistical confidence thresholds required to predict the impact of this variant on CACNA1A protein function. In summary, the available evidence is currently insufficient to determine the role of this variant in disease. Therefore, it has been classified as a Variant of Uncertain Significance.

Ambry Genetics
Classification: Uncertain significance for Inborn genetic diseases. Last evaluated: 2025-06-18. Review status: criteria provided, single submitter. Criteria: Ambry Variant Classification Scheme 2023. Collection method: clinical testing. Allele origin: germline.
Comment: Unlikely to be causative of CACNA1A-related spinocerebellar ataxia (AD) Based on insufficient or conflicting evidence, the clinical significance of this alteration remains unclear.

Neuberg Centre For Genomic Medicine, NCGM
Classification: Uncertain significance for Developmental and epileptic encephalopathy, 42. Review status: criteria provided, single submitter. Criteria: ACMG Guidelines, 2015. Collection method: clinical testing. Allele origin: germline. Inheritance: Autosomal dominant inheritance. Affected: yes.
Comment: The missense variant in c.6131T>C (p.Met2044Thr) in CACNA1E gene has not been reported previously as a pathogenic variant nor as a benign variant, to our knowledge. The p.Met2044Thr variant is novel (not in any individuals) in 1000 Genomes. The amino acid Met at position 2044 is changed to a Thr changing protein sequence and it might alter its composition and physico-chemical properties. The amino acid change p.Met2044Thr in CACNA1A is predicted as conserved by GERP++ and PhyloP across 100 vertebrates. For these reasons, this variant has been classified as Uncertain Significance.

NM_001127222.2(CACNA1A):c.6113T>C (p.Met2038Thr)

Gene: CACNA1A (calcium voltage-gated channel subunit alpha1 A; minus strand). Cytogenetic location: 19p13.13.
Variant type: single nucleotide variant.
Coding change: c.6113T>C on transcript NM_001127222.2 (MANE Select); coding-DNA position 6113, T replaced by C.
Protein change: p.Met2038Thr; replaces methionine 2038 with threonine.
Molecular consequence: missense variant.
Genome position (GRCh38, 1-based): chr19:13,212,460, A>G on the plus strand (T>C on the coding strand, the complement: CACNA1A is on the minus strand). VCF-style: chr19-13212460-A-G. GRCh37 (hg19) VCF-style: chr19-13323274-A-G.
Other names: c.6131T>C, p.Met2044Thr (NM_000068.4, NM_023035.3); c.6116T>C, p.Met2039Thr (NM_001127221.2); c.6122T>C, p.Met2041Thr (NM_001174080.2); short protein forms M2038T, M2041T, M2044T, M2039T.
Identifiers: ClinVar variation 2585287 (VCV002585287.5), dbSNP rs747527871, ClinGen allele CA9239471.
Genomic context (GRCh38, chr19:13,212,460, plus strand): 5'-CTGTTGGGCATGTCGGTAGGGGGGCCTTGTTCCGGACTCCATGTGCCCGTCTTCTGGAAC[A>G]TCTCCTGGGCACGCTGGGTCACCCAGGACGGGCTCTCCTTGAGGCCGCTTTCGTGAGCCA-3'
Protein context (NP_001120694.1, residues 2028-2048): PSWVTQRAQE[Met2038Thr]FQKTGTWSPE